The following is an entry in ClinVar:

NM_000246.4(CIITA):c.1330C>T (p.Gln444Ter)

Gene: CIITA (class II major histocompatibility complex transactivator; plus strand). Cytogenetic location: 16p13.13.
Variant type: single nucleotide variant.
Coding change: c.1330C>T on transcript NM_000246.4 (MANE Select); coding-DNA position 1330, C replaced by T.
Protein change: p.Gln444Ter; replaces glutamine 444 with a stop codon.
Molecular consequence: nonsense. On other transcripts: intron variant (1).
Genome position (GRCh38, 1-based): chr16:10,906,822, C>T. VCF-style: chr16-10906822-C-T. GRCh37 (hg19) VCF-style: chr16-11000679-C-T.
Other names: c.1333C>T, p.Gln445Ter (NM_001286402.1, NM_001379332.1); c.1186C>T, p.Gln396Ter (NM_001379330.1); c.1183C>T, p.Gln395Ter (NM_001379331.1); c.1330C>T, p.Gln444Ter (NM_001379333.1); c.1261C>T, p.Gln421Ter (NM_001379334.1); c.859+2010C>T (NM_001286403.2); short protein forms Q395*, Q396*, Q421*, Q444*, Q445*.
Identifiers: ClinVar variation 4817970 (VCV004817970.1).

ClinVar aggregate classification (germline): Likely pathogenic (1 of 4 stars; one submission).

Conditions:
MHC class II deficiency. Also called: BLS, TYPE II; Bare lymphocyte syndrome 2. Identifiers: Orphanet 572, MedGen C5447452, MONDO:0008855.

Submission:

Natera, Inc.
Classification: Likely pathogenic for Bare lymphocyte syndrome type II. Last evaluated: 2024-03-13. Review status: criteria provided, single submitter. Criteria: Natera Variant Classification Schema (03/2026). Collection method: clinical testing. Allele origin: germline.
Comment: The c.1330C>T variant in CIITA is a nonsense variant predicted to introduce a stop codon at amino acid 444. This variant is expected to result in nonsense mediated decay, truncation, or a dysfunctional protein product. This variant is rare in the general population with a frequency below the threshold expected for the associated phenotype(s). Given the available evidence, this variant is classified as Likely Pathogenic.